The following is an entry in ClinVar:

ClinVar aggregate classification (germline): Uncertain significance. Review status: criteria provided, multiple submitters, no conflicts (2 of 4 stars). 2 submissions from 2 submitters: Uncertain significance (2). Last evaluated 2025-04-09.

Conditions:
Cardiovascular phenotype. Identifiers: MedGen CN230736.

gnomAD v4.1: 5 of 1,612,592 alleles (0.00031%); highest among the groups gnomAD compares: Non-Finnish European, 0.00042%; no homozygotes.

Submissions (2):

Molecular Diagnostic Laboratory for Inherited Cardiovascular Disease, Montreal Heart Institute
Classification: Uncertain significance for Cardiovascular phenotype. Last evaluated: 2025-04-09. Review status: criteria provided, single submitter. Criteria: ACMG Guidelines, 2015. Collection method: clinical testing. Allele origin: germline. Affected: yes.

Ambry Genetics
Classification: Uncertain significance for Cardiovascular phenotype. Last evaluated: 2024-04-19. Review status: criteria provided, single submitter. Criteria: Ambry Variant Classification Scheme 2023. Collection method: clinical testing. Allele origin: germline.
Comment: The p.S319T variant (also known as c.956G>C), located in coding exon 7 of the LMF1 gene, results from a G to C substitution at nucleotide position 956. The serine at codon 319 is replaced by threonine, an amino acid with similar properties. This amino acid position is conserved. In addition, this alteration is predicted to be tolerated by in silico analysis. Since supporting evidence is limited at this time, the clinical significance of this alteration remains unclear.

NM_022773.4(LMF1):c.956G>C (p.Ser319Thr)

Gene: LMF1 (lipase maturation factor 1; minus strand). Cytogenetic location: 16p13.3.
Variant type: single nucleotide variant.
Coding change: c.956G>C on transcript NM_022773.4 (MANE Select); coding-DNA position 956, G replaced by C.
Protein change: p.Ser319Thr; replaces serine 319 with threonine.
Molecular consequence: missense variant. On other transcripts: non-coding transcript variant (1).
Genome position (GRCh38, 1-based): chr16:871,283, C>G on the plus strand (G>C on the coding strand, the complement: LMF1 is on the minus strand). VCF-style: chr16-871283-C-G. GRCh37 (hg19) VCF-style: chr16-921283-C-G.
Other names: c.305G>C, p.Ser102Thr (NM_001352017.2, NM_001352021.2); c.557G>C, p.Ser186Thr (NM_001352018.2); c.629G>C, p.Ser210Thr (NM_001352019.2); c.956G>C, p.Ser319Thr (NM_001352020.1); short protein forms S210T, S319T, S102T, S186T.
Identifiers: ClinVar variation 1767416 (VCV001767416.4), dbSNP rs775541555, ClinGen allele CA394127776.
Genomic context (GRCh38, chr16:871,283, plus strand): 5'-AGGCTGCCTGGCCCAGAGGGGAACAAGAATCCCAGGGTGGCGTCATCAAAGCAGGCCAGG[C>G]TGGGCACCATAGTCAGCCAGTTCAGGAAGCTGAGGTTCCCGCTGACGATGAGGACGGCCT-3'
Protein context (NP_073610.2, residues 309-329): SFLNWLTMVP[Ser319Thr]LACFDDATLG